The following is an entry in ClinVar:

ClinVar aggregate classification (germline): Uncertain significance (1 of 4 stars; one submission).

Submission:

Labcorp Genetics (formerly Invitae), Labcorp
Classification: Uncertain significance. Last evaluated: 2023-04-25. Review status: criteria provided, single submitter. Criteria: Invitae Variant Classification Sherloc (09022015). Collection method: clinical testing. Allele origin: germline.
Comment: This variant is not present in population databases (gnomAD no frequency). This sequence change replaces alanine, which is neutral and non-polar, with threonine, which is neutral and polar, at codon 1165 of the ERBB2 protein (p.Ala1165Thr). This variant has not been reported in the literature in individuals affected with ERBB2-related conditions. In summary, the available evidence is currently insufficient to determine the role of this variant in disease. Therefore, it has been classified as a Variant of Uncertain Significance. Algorithms developed to predict the effect of missense changes on protein structure and function output the following: SIFT: "Not Available"; PolyPhen-2: "Benign"; Align-GVGD: "Not Available". The threonine amino acid residue is found in multiple mammalian species, which suggests that this missense change does not adversely affect protein function.

NM_004448.4(ERBB2):c.3493G>A (p.Ala1165Thr)

Gene: ERBB2 (erb-b2 receptor tyrosine kinase 2; plus strand). Cytogenetic location: 17q12.
Variant type: single nucleotide variant.
Coding change: c.3493G>A on transcript NM_004448.4 (MANE Select); coding-DNA position 3493, G replaced by A.
Protein change: p.Ala1165Thr; replaces alanine 1165 with threonine.
Molecular consequence: missense variant. On other transcripts: 3 prime UTR variant (2), non-coding transcript variant (1).
Genome position (GRCh38, 1-based): chr17:39,727,769, G>A. VCF-style: chr17-39727769-G-A. GRCh37 (hg19) VCF-style: chr17-37884022-G-A.
Other names: c.3403G>A, p.Ala1135Thr (NM_001005862.3, NM_001382782.1, NM_001382783.1); c.3448G>A, p.Ala1150Thr (NM_001289936.2); c.*72G>A (NM_001289937.2, NM_001382803.1); c.3451G>A, p.Ala1151Thr (NM_001382794.1, NM_001382793.1); c.3445G>A, p.Ala1149Thr (NM_001382795.1); c.3406G>A, p.Ala1136Thr (NM_001382796.1); c.3394G>A, p.Ala1132Thr (NM_001382797.1); c.3337G>A, p.Ala1113Thr (NM_001382798.1); and 16 more; short protein forms A1132T, A1135T, A1151T, A1199T, A848T, A1136T, A1162T, A1165T.
Identifiers: ClinVar variation 2994391 (VCV002994391.3), dbSNP rs2143294807, ClinGen allele CA399313100.